The following is an entry in ClinVar:

NM_001330260.2(SCN8A):c.1265T>A (p.Leu422Gln)

Gene: SCN8A (sodium voltage-gated channel alpha subunit 8; plus strand). Cytogenetic location: 12q13.13.
Variant type: single nucleotide variant.
Coding change: c.1265T>A on transcript NM_001330260.2 (MANE Select); coding-DNA position 1265, T replaced by A.
Protein change: p.Leu422Gln; replaces leucine 422 with glutamine.
Molecular consequence: missense variant.
Genome position (GRCh38, 1-based): chr12:51,705,547, T>A. VCF-style: chr12-51705547-T-A. GRCh37 (hg19) VCF-style: chr12-52099331-T-A.
Other names: c.1265T>A, p.Leu422Gln (NM_001177984.3, NM_001369788.1, NM_014191.4); short protein forms L422Q.
Identifiers: ClinVar variation 2016893 (VCV002016893.4), dbSNP rs2540184480, ClinGen allele CA385228190.

ClinVar aggregate classification (germline): Uncertain significance (1 of 4 stars; one submission).

Conditions:
Early-infantile DEE. Also called: Early infantile epileptic encephalopathy; Ohtahara syndrome; Early infantile epileptic encephalopathy with suppression bursts. Identifiers: Orphanet 1934, MedGen C0393706, MONDO:0800491.

Submission:

Labcorp Genetics (formerly Invitae), Labcorp
Classification: Uncertain significance for Early-infantile DEE. Last evaluated: 2022-10-09. Review status: criteria provided, single submitter. Criteria: Invitae Variant Classification Sherloc (09022015). Collection method: clinical testing. Allele origin: germline.
Comment: This sequence change replaces leucine, which is neutral and non-polar, with glutamine, which is neutral and polar, at codon 422 of the SCN8A protein (p.Leu422Gln). This variant is not present in population databases (gnomAD no frequency). This variant has not been reported in the literature in individuals affected with SCN8A-related conditions. Advanced modeling of protein sequence and biophysical properties (such as structural, functional, and spatial information, amino acid conservation, physicochemical variation, residue mobility, and thermodynamic stability) performed at Invitae indicates that this missense variant is not expected to disrupt SCN8A protein function. In summary, the available evidence is currently insufficient to determine the role of this variant in disease. Therefore, it has been classified as a Variant of Uncertain Significance.